The following is an entry in ClinVar:

ClinVar aggregate classification (germline): Conflicting classifications of pathogenicity. Review status: criteria provided, conflicting classifications (1 of 4 stars). 7 submissions from 7 submitters: Uncertain significance (1); Likely benign (6). Last evaluated 2026-03-30.

Conditions:
Cardiovascular phenotype. Identifiers: MedGen CN230736.
CACNA1C-related disorder. Also called: CACNA1C-related disorders; CACNA1C-related condition. Identifiers: MedGen CN381092, MONDO:0700321.
Long QT syndrome (LQTS). Identifiers: MedGen C0023976, MeSH D008133, MONDO:0002442. Disease mechanism: loss of function. Inheritance: Various modes of inheritance.

Allele frequency attached by ClinVar (database versions not stated): ESP Exome Variant Server 0.00064; 1000 Genomes Project 30x 0.00062; ExAC 0.00015; gnomAD 0.00029; TOPMed 0.00029; 1000 Genomes Project 0.00060.
gnomAD v4.1: 83 of 1,608,576 alleles (0.0052%); highest among the groups gnomAD compares: African/African-American, 0.085%; no homozygotes.

Submissions (7):

Women's Health and Genetics/Laboratory Corporation of America, LabCorp
Classification: Likely benign. Last evaluated: 2026-03-30. Review status: criteria provided, single submitter. Criteria: LabCorp Variant Classification Summary - May 2015. Collection method: clinical testing. Allele origin: germline.
Comment: Variant summary: CACNA1C c.5149G>A (p.Ala1717Thr) results in a non-conservative amino acid change in the encoded protein sequence. Algorithms developed to predict the effect of missense changes on protein structure and function are either unavailable or do not agree on the potential impact of this missense change. The variant allele was found at a frequency of 6.6e-05 in 242806 control chromosomes. The observed variant frequency exceeds the estimated maximal expected allele frequency for disease-causing variants in CACNA1C. To our knowledge, no occurrence of c.5149G>A in individuals affected with CACNA1C-related conditions and no experimental evidence demonstrating its impact on protein function have been reported. ClinVar contains an entry for this variant (Variation ID: 215771). Based on the evidence outlined above, the variant was classified as likely benign.

Labcorp Genetics (formerly Invitae), Labcorp
Classification: Likely benign for Long QT syndrome. Last evaluated: 2026-01-11. Review status: criteria provided, single submitter. Criteria: Invitae Variant Classification Sherloc (09022015). Collection method: clinical testing. Allele origin: germline.

PreventionGenetics, part of Exact Sciences
Classification: Likely benign for CACNA1C-related condition. Last evaluated: 2025-12-22. Review status: criteria provided, single submitter. Criteria: ACMG Guidelines, 2015. Collection method: clinical testing. Allele origin: germline.
Comment: This variant is classified as likely benign based on ACMG/AMP sequence variant interpretation guidelines (Richards et al. 2015 PMID: 25741868, with internal and published modifications).

Molecular Diagnostic Laboratory for Inherited Cardiovascular Disease, Montreal Heart Institute
Classification: Likely benign. Last evaluated: 2025-04-09. Review status: criteria provided, single submitter. Criteria: ACMG Guidelines, 2015. Collection method: clinical testing. Allele origin: germline. Affected: no.

GeneDx
Classification: Uncertain significance. Last evaluated: 2025-02-05. Review status: criteria provided, single submitter. Criteria: GeneDx Variant Classification Process June 2021. Collection method: clinical testing. Allele origin: germline. Affected: yes.
Comment: Has not been previously published as pathogenic or benign to our knowledge; In silico analysis indicates that this missense variant does not alter protein structure/function

Blueprint Genetics
Classification: Likely benign. Last evaluated: 2024-05-19. Review status: criteria provided, single submitter. Criteria: ACMG Guidelines, 2015. Collection method: clinical testing. Allele origin: germline.

Ambry Genetics
Classification: Likely benign for Cardiovascular phenotype. Last evaluated: 2019-08-12. Review status: criteria provided, single submitter. Criteria: Ambry Variant Classification Scheme 2023. Collection method: clinical testing. Allele origin: germline.

NM_000719.7(CACNA1C):c.5149G>A (p.Ala1717Thr)

Genes: CACNA1C (calcium voltage-gated channel subunit alpha1 C; plus strand), CACNA1C-AS1 (CACNA1C antisense RNA 1; minus strand). Cytogenetic location: 12p13.33.
Variant type: single nucleotide variant.
Coding change: c.5149G>A on transcript NM_000719.7 (MANE Select); coding-DNA position 5149, G replaced by A.
Protein change: p.Ala1717Thr; replaces alanine 1717 with threonine.
Molecular consequence: missense variant.
Genome position (GRCh38, 1-based): chr12:2,679,501, G>A. VCF-style: chr12-2679501-G-A. GRCh37 (hg19) VCF-style: chr12-2788667-G-A.
Other names: c.5293G>A, p.Ala1765Thr (NM_001129827.2, NM_199460.4); c.5272G>A, p.Ala1758Thr (NM_001129829.2); c.5149G>A, p.Ala1717Thr (NM_001129830.3, NM_001129840.2, NM_001129841.2 and 4 more transcripts); c.5233G>A, p.Ala1745Thr (NM_001129831.2); c.5209G>A, p.Ala1737Thr (NM_001129832.2); c.5206G>A, p.Ala1736Thr (NM_001129833.2, NM_001129834.2, NM_001129835.2); c.5200G>A, p.Ala1734Thr (NM_001129836.2); c.5173G>A, p.Ala1725Thr (NM_001129837.2, NM_001129838.2); and 4 more; short protein forms A1717T, A1765T, A1714T, A1736T, A1758T, A1706T, A1723T, A1725T.
Identifiers: ClinVar variation 215771 (VCV000215771.25), dbSNP rs200865354, ClinGen allele CA337986.
Genomic context (GRCh38, chr12:2,679,501, plus strand): 5'-CAGAGGGCCGGTGGCCTGTTCGGCAACCACGTCAGCTACTACCAAAGCGACGGCCGGAGC[G>A]CCTTCCCCCAGACCTTCACCACTCAGCGCCCGCTGCACATCAACAAGGCGGGCAGCAGCC-3'
Protein context (NP_000710.5, residues 1707-1727): VSYYQSDGRS[Ala1717Thr]FPQTFTTQRP